The following is an entry in ClinVar:

NM_015102.5(NPHP4):c.1675G>A (p.Val559Ile)

Gene: NPHP4 (nephrocystin 4; minus strand). Cytogenetic location: 1p36.31.
Variant type: single nucleotide variant.
Coding change: c.1675G>A on transcript NM_015102.5 (MANE Select); coding-DNA position 1675, G replaced by A.
Protein change: p.Val559Ile; replaces valine 559 with isoleucine.
Molecular consequence: missense variant. On other transcripts: non-coding transcript variant (1).
Genome position (GRCh38, 1-based): chr1:5,905,720, C>T on the plus strand (G>A on the coding strand, the complement: NPHP4 is on the minus strand). VCF-style: chr1-5905720-C-T. GRCh37 (hg19) VCF-style: chr1-5965780-C-T.
Other names: c.136G>A, p.Val46Ile (NM_001291593.2); c.139G>A, p.Val47Ile (NM_001291594.2); short protein forms V559I, V46I, V47I.
Identifiers: ClinVar variation 934314 (VCV000934314.11), dbSNP rs931907795, ClinGen allele CA338055396.

ClinVar aggregate classification (germline): Uncertain significance. Review status: criteria provided, multiple submitters, no conflicts (2 of 4 stars). 2 submissions from 2 submitters: Uncertain significance (2). Last evaluated 2025-08-15.

Conditions:
Nephronophthisis. Also called: Juvenile Nephronophthisis. Identifiers: Orphanet 655, MedGen C0687120, MONDO:0019005, HP:0000090.
Nephronophthisis 4 (NPHP4). Also called: NEPHRONOPHTHISIS 4, JUVENILE. Identifiers: Orphanet 655, MedGen C1847013, MONDO:0011752, OMIM 606966.
Senior-Loken syndrome 4 (SLSN4). Identifiers: Orphanet 3156, MedGen C1846979, MONDO:0011756, OMIM 606996.

Allele frequency attached by ClinVar (database versions not stated): gnomAD 0.00001; gnomAD exomes 0.00001 and 0.00002.
gnomAD v4.1: 13 of 1,613,524 alleles (0.00081%); highest among the groups gnomAD compares: Non-Finnish European, 0.0011%; no homozygotes.

Submissions (2):

Labcorp Genetics (formerly Invitae), Labcorp
Classification: Uncertain significance for Nephronophthisis. Last evaluated: 2025-08-15. Review status: criteria provided, single submitter. Criteria: Invitae Variant Classification Sherloc (09022015). Collection method: clinical testing. Allele origin: germline.
Comment: This sequence change replaces valine, which is neutral and non-polar, with isoleucine, which is neutral and non-polar, at codon 559 of the NPHP4 protein (p.Val559Ile). This variant is present in population databases (no rsID available, gnomAD 0.002%). This variant has not been reported in the literature in individuals affected with NPHP4-related conditions. ClinVar contains an entry for this variant (Variation ID: 934314). Invitae Evidence Modeling of protein sequence and biophysical properties (such as structural, functional, and spatial information, amino acid conservation, physicochemical variation, residue mobility, and thermodynamic stability) indicates that this missense variant is not expected to disrupt NPHP4 protein function with a negative predictive value of 80%. In summary, the available evidence is currently insufficient to determine the role of this variant in disease. Therefore, it has been classified as a Variant of Uncertain Significance.

Fulgent Genetics
Classification: Uncertain significance for Nephronophthisis 4; Senior-Loken syndrome 4. Last evaluated: 2024-05-02. Review status: criteria provided, single submitter. Criteria: ACMG Guidelines, 2015. Collection method: clinical testing. Allele origin: germline.